The following is an entry in ClinVar:

NM_001036.6(RYR3):c.8945A>G (p.Gln2982Arg)

Gene: RYR3 (ryanodine receptor 3; plus strand). Cytogenetic location: 15q14.
Variant type: single nucleotide variant.
Coding change: c.8945A>G on transcript NM_001036.6 (MANE Select); coding-DNA position 8945, A replaced by G.
Protein change: p.Gln2982Arg; replaces glutamine 2982 with arginine.
Molecular consequence: missense variant.
Genome position (GRCh38, 1-based): chr15:33,772,048, A>G. VCF-style: chr15-33772048-A-G. GRCh37 (hg19) VCF-style: chr15-34064249-A-G.
Other names: c.8945A>G, p.Gln2982Arg (NM_001243996.4); c.8945A>G (NM_001036.3); short protein forms Q2982R.
Identifiers: ClinVar variation 530985 (VCV000530985.9), dbSNP rs762655537, ClinGen allele CA7460370.

ClinVar aggregate classification (germline): Uncertain significance. Review status: criteria provided, multiple submitters, no conflicts (2 of 4 stars). 2 submissions from 2 submitters: Uncertain significance (2). Last evaluated 2025-01-07.

Conditions:
Epileptic encephalopathy. Identifiers: MedGen C0543888, HP:0200134.

Allele frequency attached by ClinVar (database versions not stated): gnomAD 0.00003; gnomAD exomes 0.00008 and 0.00016; TOPMed 0.00008; ExAC 0.00017.
gnomAD v4.1: 53 of 1,613,562 alleles (0.0033%); highest among the groups gnomAD compares: Admixed American, 0.088%; no homozygotes.

Submissions (2):

Ambry Genetics
Classification: Uncertain significance. Last evaluated: 2025-01-07. Review status: criteria provided, single submitter. Criteria: Ambry Variant Classification Scheme 2023. Collection method: clinical testing. Allele origin: germline.

Labcorp Genetics (formerly Invitae), Labcorp
Classification: Uncertain significance for Epileptic encephalopathy. Last evaluated: 2021-08-31. Review status: criteria provided, single submitter. Criteria: Invitae Variant Classification Sherloc (09022015). Collection method: clinical testing. Allele origin: germline.
Comment: This sequence change replaces glutamine with arginine at codon 2982 of the RYR3 protein (p.Gln2982Arg). The glutamine residue is highly conserved and there is a small physicochemical difference between glutamine and arginine. This variant is present in population databases (rs762655537, ExAC 0.2%). This variant has not been reported in the literature in individuals affected with RYR3-related conditions. Algorithms developed to predict the effect of missense changes on protein structure and function are either unavailable or do not agree on the potential impact of this missense change (SIFT: "Deleterious"; PolyPhen-2: "Benign"; Align-GVGD: "Class C0"). In summary, the available evidence is currently insufficient to determine the role of this variant in disease. Therefore, it has been classified as a Variant of Uncertain Significance.